The following is an entry in ClinVar:

NM_001130965.3(SUN1):c.514G>A (p.Val172Met)

Gene: SUN1 (Sad1 and UNC84 domain containing 1; plus strand). Cytogenetic location: 7p22.3.
Variant type: single nucleotide variant.
Coding change: c.514G>A on transcript NM_001130965.3 (MANE Select); coding-DNA position 514, G replaced by A.
Protein change: p.Val172Met; replaces valine 172 with methionine.
Molecular consequence: missense variant. On other transcripts: 5 prime UTR variant (3), non-coding transcript variant (3), intron variant (1).
Genome position (GRCh38, 1-based): chr7:843,376, G>A. VCF-style: chr7-843376-G-A. GRCh37 (hg19) VCF-style: chr7-883013-G-A.
Other names: c.364G>A, p.Val122Met (NM_001367671.1, NM_001367701.1, NM_001367706.1 and 24 more transcripts); c.514G>A, p.Val172Met (NM_001367672.1, NM_001367676.1, NM_001367677.1 and 32 more transcripts); c.325G>A, p.Val109Met (NM_001367695.1); c.577G>A, p.Val193Met (NM_001171945.2); c.-54G>A (NM_001367639.1, NM_001367708.1); c.57G>A, p.Met19Ile (NM_001367635.1); c.733G>A, p.Val245Met (NM_001367651.1); c.-248G>A (NM_001367658.1); and 2 more; short protein forms M19I, V109M, V172M, V181M, V193M, V122M, V245M.
Identifiers: ClinVar variation 1908700 (VCV001908700.5), dbSNP rs201010641, ClinGen allele CA152403286.
Genomic context (GRCh38, chr7:843,376, plus strand): 5'-TCCATCTACTGTTTGAAAACTTTAGGTGGAAATAAAGCTGCCATTCAGGGAAACGGGGAT[G>A]TGGGAGCCGCCGCCGCCACCGCGCACAACGGCTTCTCCTGCAGCAACTGCAGCATGCTGT-3'
Protein context (NP_001124437.1, residues 162-182): NKAAIQGNGD[Val172Met]GAAAATAHNG

ClinVar aggregate classification (germline): Uncertain significance (1 of 4 stars; one submission).

Conditions:
Emery-Dreifuss muscular dystrophy (EDMD). Also called: Scapuloperoneal syndrome, X-linked (formerly); Humeroperoneal neuromuscular disease, (formerly). Identifiers: Orphanet 261, MedGen C0410189, MONDO:0016830.

Allele frequency attached by ClinVar (database versions not stated): gnomAD exomes below 0.00001; gnomAD 0.00001.
gnomAD v4.1: 6 of 1,609,648 alleles (0.00037%); highest among the groups gnomAD compares: Admixed American, 0.005%; no homozygotes.

Submission:

Labcorp Genetics (formerly Invitae), Labcorp
Classification: Uncertain significance for Emery-Dreifuss muscular dystrophy. Last evaluated: 2022-09-16. Review status: criteria provided, single submitter. Criteria: Invitae Variant Classification Sherloc (09022015). Collection method: clinical testing. Allele origin: germline.
Comment: This sequence change replaces valine, which is neutral and non-polar, with methionine, which is neutral and non-polar, at codon 172 of the SUN1 protein (p.Val172Met). This variant is present in population databases (rs201010641, gnomAD 0.006%). This variant has not been reported in the literature in individuals affected with SUN1-related conditions. Algorithms developed to predict the effect of missense changes on protein structure and function output the following: SIFT: "Tolerated"; PolyPhen-2: "Benign"; Align-GVGD: "Class C0". The methionine amino acid residue is found in multiple mammalian species, which suggests that this missense change does not adversely affect protein function. In summary, the available evidence is currently insufficient to determine the role of this variant in disease. Therefore, it has been classified as a Variant of Uncertain Significance.